The following is an entry in ClinVar:

NM_000081.4(LYST):c.8629G>A (p.Asp2877Asn)

Gene: LYST (lysosomal trafficking regulator; minus strand). Cytogenetic location: 1q42.3.
Variant type: single nucleotide variant.
Coding change: c.8629G>A on transcript NM_000081.4 (MANE Select); coding-DNA position 8629, G replaced by A.
Protein change: p.Asp2877Asn; replaces aspartic acid 2877 with asparagine.
Molecular consequence: missense variant.
Genome position (GRCh38, 1-based): chr1:235,733,675, C>T on the plus strand (G>A on the coding strand, the complement: LYST is on the minus strand). VCF-style: chr1-235733675-C-T. GRCh37 (hg19) VCF-style: chr1-235896975-C-T.
Other names: c.8629G>A, p.Asp2877Asn (NM_001301365.1); c.8629G>A (NM_000081.2); short protein forms D2877N.
Identifiers: ClinVar variation 575468 (VCV000575468.6), dbSNP rs777657023, ClinGen allele CA1465790.

ClinVar aggregate classification (germline): Uncertain significance. Review status: criteria provided, multiple submitters, no conflicts (2 of 4 stars). 2 submissions from 2 submitters: Uncertain significance (2). Last evaluated 2023-12-26.

Conditions:
Inborn genetic diseases. Identifiers: MedGen C0950123, MeSH D030342.
Chédiak-Higashi syndrome (CHS). Also called: Chediak-Higashi Syndrome. Identifiers: Orphanet 167, MedGen C0007965, MONDO:0008963, OMIM 214500.

Allele frequency attached by ClinVar (database versions not stated): gnomAD exomes below 0.00001; gnomAD 0.00001; TOPMed 0.00001; ExAC 0.00002.
gnomAD v4.1: 7 of 1,613,102 alleles (0.00043%); highest among the groups gnomAD compares: Admixed American, 0.0017%; no homozygotes.

Submissions (2):

Ambry Genetics
Classification: Uncertain significance for Inborn genetic diseases. Last evaluated: 2023-12-26. Review status: criteria provided, single submitter. Criteria: Ambry Variant Classification Scheme 2023. Collection method: clinical testing. Allele origin: germline.

Labcorp Genetics (formerly Invitae), Labcorp
Classification: Uncertain significance for Chédiak-Higashi syndrome. Last evaluated: 2022-07-05. Review status: criteria provided, single submitter. Criteria: Invitae Variant Classification Sherloc (09022015). Collection method: clinical testing. Allele origin: germline.
Comment: In summary, the available evidence is currently insufficient to determine the role of this variant in disease. Therefore, it has been classified as a Variant of Uncertain Significance. Algorithms developed to predict the effect of missense changes on protein structure and function are either unavailable or do not agree on the potential impact of this missense change (SIFT: "Tolerated"; PolyPhen-2: "Probably Damaging"; Align-GVGD: "Class C0"). ClinVar contains an entry for this variant (Variation ID: 575468). This variant has not been reported in the literature in individuals affected with LYST-related conditions. This variant is present in population databases (rs777657023, gnomAD 0.0009%). This sequence change replaces aspartic acid, which is acidic and polar, with asparagine, which is neutral and polar, at codon 2877 of the LYST protein (p.Asp2877Asn).